The following is an entry in ClinVar:

NM_001184880.2(PCDH19):c.1660C>T (p.Leu554Phe)

Gene: PCDH19 (protocadherin 19; minus strand). Cytogenetic location: Xq22.1.
Variant type: single nucleotide variant.
Coding change: c.1660C>T on transcript NM_001184880.2 (MANE Select); coding-DNA position 1660, C replaced by T.
Protein change: p.Leu554Phe; replaces leucine 554 with phenylalanine.
Molecular consequence: missense variant.
Genome position (GRCh38, 1-based): chrX:100,406,938, G>A on the plus strand (C>T on the coding strand, the complement: PCDH19 is on the minus strand). VCF-style: chrX-100406938-G-A. GRCh37 (hg19) VCF-style: chrX-99661936-G-A.
Other names: c.1660C>T (NM_001184880.1); c.1660C>T, p.Leu554Phe (NM_001105243.2, NM_020766.3); short protein forms L554F.
Identifiers: ClinVar variation 2193557 (VCV002193557.5), dbSNP rs780871352, ClinGen allele CA10468856.

ClinVar aggregate classification (germline): Uncertain significance. Review status: criteria provided, multiple submitters, no conflicts (2 of 4 stars). 2 submissions from 2 submitters: Uncertain significance (2). Last evaluated 2024-08-22.

Conditions:
Developmental and epileptic encephalopathy, 9 (DEE9). Also called: Early infantile epileptic encephalopathy 9; JUBERG-HELLMAN SYNDROME; PCDH19-Related X-Linked Female-Limited Epilepsy with Mental Retardation; EPILEPSY, FEMALE-RESTRICTED, WITH MENTAL RETARDATION. Identifiers: Orphanet 101039, Orphanet 2076, MedGen C1848137, MONDO:0010246, OMIM 300088. Disease mechanism: loss of function.

Allele frequency attached by ClinVar (database versions not stated): gnomAD exomes below 0.00001; TOPMed below 0.00001; ExAC 0.00001; gnomAD 0.00001.
gnomAD v4.1: 4 of 1,210,001 alleles (0.00033%); highest among the groups gnomAD compares: East Asian, 0.012%; no homozygotes.

Submissions (2):

GeneDx
Classification: Uncertain significance. Last evaluated: 2024-08-22. Review status: criteria provided, single submitter. Criteria: GeneDx Variant Classification Process June 2021. Collection method: clinical testing. Allele origin: germline. Affected: yes.
Comment: Not observed at significant frequency in large population cohorts (gnomAD); In silico analysis supports that this missense variant has a deleterious effect on protein structure/function; Has not been previously published as pathogenic or benign to our knowledge

Labcorp Genetics (formerly Invitae), Labcorp
Classification: Uncertain significance for Developmental and epileptic encephalopathy, 9. Last evaluated: 2022-11-10. Review status: criteria provided, single submitter. Criteria: Invitae Variant Classification Sherloc (09022015). Collection method: clinical testing. Allele origin: germline.
Comment: This sequence change replaces leucine, which is neutral and non-polar, with phenylalanine, which is neutral and non-polar, at codon 554 of the PCDH19 protein (p.Leu554Phe). This variant is present in population databases (rs780871352, gnomAD 0.008%). This variant has not been reported in the literature in individuals affected with PCDH19-related conditions. Advanced modeling of protein sequence and biophysical properties (such as structural, functional, and spatial information, amino acid conservation, physicochemical variation, residue mobility, and thermodynamic stability) has been performed at Invitae for this missense variant, however the output from this modeling did not meet the statistical confidence thresholds required to predict the impact of this variant on PCDH19 protein function. In summary, the available evidence is currently insufficient to determine the role of this variant in disease. Therefore, it has been classified as a Variant of Uncertain Significance.